The following is an entry in ClinVar:

NM_000362.5(TIMP3):c.29T>A (p.Leu10His)

Genes: SYN3 (synapsin III; minus strand), TIMP3 (TIMP metallopeptidase inhibitor 3; plus strand). Cytogenetic location: 22q12.3.
Variant type: single nucleotide variant.
Coding change: c.29T>A on transcript NM_000362.5 (MANE Select); coding-DNA position 29, T replaced by A.
Protein change: p.Leu10His; replaces leucine 10 with histidine.
Molecular consequence: missense variant. On other transcripts: intron variant (7).
Genome position (GRCh38, 1-based): chr22:32,802,030, T>A. VCF-style: chr22-32802030-T-A. GRCh37 (hg19) VCF-style: chr22-33198016-T-A.
Other names: c.708+62885A>T (NM_001369909.1, NM_001135774.2, NM_001369910.1); c.711+62885A>T (NM_001369907.1, NM_003490.4, NM_001369908.1 and 1 more transcripts); short protein forms L10H.
Identifiers: ClinVar variation 1059457 (VCV001059457.10), dbSNP rs2145931073, ClinGen allele CA411538926.

ClinVar aggregate classification (germline): Conflicting classifications of pathogenicity. Review status: criteria provided, conflicting classifications (1 of 4 stars). 2 submissions from 2 submitters: Likely pathogenic (1); Uncertain significance (1). Last evaluated 2020-05-23.

Conditions:
TIMP3-related disorder. Also called: TIMP3-related condition.

Submissions (2):

Labcorp Genetics (formerly Invitae), Labcorp
Classification: Uncertain significance. Last evaluated: 2020-05-23. Review status: criteria provided, single submitter. Criteria: Invitae Variant Classification Sherloc (09022015). Collection method: clinical testing. Allele origin: germline.
Comment: In summary, the available evidence is currently insufficient to determine the role of this variant in disease. Therefore, it has been classified as a Variant of Uncertain Significance. Algorithms developed to predict the effect of missense changes on protein structure and function are either unavailable or do not agree on the potential impact of this missense change (SIFT: "Deleterious"; PolyPhen-2: "Benign"; Align-GVGD: "Class C0"). This variant has been observed in individual(s) with macular dystrophy (PMID: 28838317). The frequency data for this variant in the population databases is considered unreliable, as metrics indicate insufficient coverage at this position in the ExAC database. This sequence change replaces leucine with histidine at codon 10 of the TIMP3 protein (p.Leu10His). The leucine residue is moderately conserved and there is a moderate physicochemical difference between leucine and histidine.

Blueprint Genetics
Classification: Likely pathogenic for TIMP3-related disorders. Last evaluated: 2019-11-06. Review status: criteria provided, single submitter. Criteria: ACMG Guidelines, 2015. Collection method: clinical testing. Allele origin: germline. Affected: yes. Observed: 1 variant allele.

Literature cited by the submitters: PubMed 28838317 (cited by Labcorp Genetics (formerly Invitae), Labcorp).